The following is an entry in ClinVar:

NM_004304.5(ALK):c.1103A>T (p.His368Leu)

Gene: ALK (ALK receptor tyrosine kinase; minus strand). Cytogenetic location: 2p23.2.
Variant type: single nucleotide variant.
Coding change: c.1103A>T on transcript NM_004304.5 (MANE Select); coding-DNA position 1103, A replaced by T.
Protein change: p.His368Leu; replaces histidine 368 with leucine.
Molecular consequence: missense variant.
Genome position (GRCh38, 1-based): chr2:29,531,966, T>A on the plus strand (A>T on the coding strand, the complement: ALK is on the minus strand). VCF-style: chr2-29531966-T-A. GRCh37 (hg19) VCF-style: chr2-29754832-T-A.
Other names: c.1103A>T (NM_004304.4); short protein forms H368L.
Identifiers: ClinVar variation 999310 (VCV000999310.12), dbSNP rs1673131453, ClinGen allele CA346587268.
Genomic context (GRCh38, chr2:29,531,966, plus strand): 5'-AGTACTTACCCATGCTTCCCTGGAGTGGGCATCAGGAGGATCTCTCTTGCAGCCTCGTTG[T>A]GGGGCAGCAGCTGGGCAATGTACCTTCCAGAGGGCTGCAGGTGCCTGTGCACCGAGACGG-3'
Protein context (NP_004295.2, residues 358-378): SGRYIAQLLP[His368Leu]NEAAREILLM

ClinVar aggregate classification (germline): Uncertain significance. Review status: criteria provided, multiple submitters, no conflicts (2 of 4 stars). 3 submissions from 3 submitters: Uncertain significance (3). Last evaluated 2024-05-19.

Conditions:
Hereditary cancer-predisposing syndrome. Also called: Neoplastic Syndromes, Hereditary; Hereditary neoplastic syndrome; Hereditary Cancer Syndrome; Tumor predisposition. Identifiers: Orphanet 140162, MedGen C0027672, MeSH D009386, MONDO:0015356.
Neuroblastoma, susceptibility to, 3. Also called: ALK-Related Neuroblastic Tumor Susceptibility. Identifiers: Orphanet 635, MedGen C2751681, MONDO:0013083, OMIM 613014.

Submissions (3):

Labcorp Genetics (formerly Invitae), Labcorp
Classification: Uncertain significance for Neuroblastoma, susceptibility to, 3. Last evaluated: 2024-05-19. Review status: criteria provided, single submitter. Criteria: Invitae Variant Classification Sherloc (09022015). Collection method: clinical testing. Allele origin: germline.
Comment: This sequence change replaces histidine, which is basic and polar, with leucine, which is neutral and non-polar, at codon 368 of the ALK protein (p.His368Leu). This variant is not present in population databases (gnomAD no frequency). This variant has not been reported in the literature in individuals affected with ALK-related conditions. ClinVar contains an entry for this variant (Variation ID: 999310). An algorithm developed to predict the effect of missense changes on protein structure and function (PolyPhen-2) suggests that this variant is likely to be tolerated. In summary, the available evidence is currently insufficient to determine the role of this variant in disease. Therefore, it has been classified as a Variant of Uncertain Significance.

Baylor Genetics
Classification: Uncertain significance for Neuroblastoma, susceptibility to, 3. Last evaluated: 2024-02-02. Review status: criteria provided, single submitter. Criteria: ACMG Guidelines, 2015. Collection method: clinical testing. Allele origin: unknown.

Ambry Genetics
Classification: Uncertain significance for Hereditary cancer-predisposing syndrome. Last evaluated: 2023-04-28. Review status: criteria provided, single submitter. Criteria: Ambry Variant Classification Scheme 2023. Collection method: clinical testing. Allele origin: germline.
Comment: The p.H368L variant (also known as c.1103A>T), located in coding exon 4 of the ALK gene, results from an A to T substitution at nucleotide position 1103. The histidine at codon 368 is replaced by leucine, an amino acid with similar properties. This amino acid position is conserved. In addition, this alteration is predicted to be tolerated by in silico analysis. Since supporting evidence is limited at this time, the clinical significance of this alteration remains unclear.